The following is an entry in ClinVar:

ClinVar aggregate classification (germline): Benign. Review status: criteria provided, multiple submitters, no conflicts (2 of 4 stars). 6 submissions from 6 submitters: Benign (6). Last evaluated 2026-02-01.

Conditions:
Pseudohypoaldosteronism type 2B (PHA2B). Also called: Pseudohypoaldosteronism Type IIB. Identifiers: Orphanet 757, Orphanet 88939, MedGen C1840390, MONDO:0013777, OMIM 614491.

Allele frequency attached by ClinVar (database versions not stated): gnomAD exomes 0.00247 and 0.00687; ExAC 0.00822; gnomAD 0.02461 and 0.02629; 1000 Genomes Project 0.02796; TOPMed 0.02940; ESP Exome Variant Server 0.03014; 1000 Genomes Project 30x 0.03107.
gnomAD v4.1: 7,482 of 1,612,720 alleles (0.46%); highest among the groups gnomAD compares: African/African-American, 8.7%; 336 homozygotes.

Submissions (6):

Labcorp Genetics (formerly Invitae), Labcorp
Classification: Benign. Last evaluated: 2026-02-01. Review status: criteria provided, single submitter. Criteria: Invitae Variant Classification Sherloc (09022015). Collection method: clinical testing. Allele origin: germline.

Blueprint Genetics
Classification: Benign. Last evaluated: 2024-11-26. Review status: criteria provided, single submitter. Criteria: ACMG Guidelines, 2015. Collection method: clinical testing. Allele origin: germline.

Mayo Clinic Laboratories, Mayo Clinic
Classification: Benign. Last evaluated: 2023-03-26. Review status: criteria provided, single submitter. Criteria: ACMG Guidelines, 2015. Collection method: clinical testing. Allele origin: germline. Observed: 2 variant alleles.

GeneDx
Classification: Benign. Last evaluated: 2021-05-09. Review status: criteria provided, single submitter. Criteria: GeneDx Variant Classification Process June 2021. Collection method: clinical testing. Allele origin: germline. Affected: yes.

Illumina Laboratory Services, Illumina
Classification: Benign for Pseudohypoaldosteronism type 2B. Last evaluated: 2018-01-13. Review status: criteria provided, single submitter. Criteria: ICSL Variant Classification Criteria 13 December 2019. Collection method: clinical testing. Allele origin: germline.
Comment: This variant was observed in the ICSL laboratory as part of a predisposition screen in an ostensibly healthy population. It had not been previously curated by ICSL or reported in the Human Gene Mutation Database (HGMD: prior to June 1st, 2018), and was therefore a candidate for classification through an automated scoring system. Utilizing variant allele frequency, disease prevalence and penetrance estimates, and inheritance mode, an automated score was calculated to assess if this variant is too frequent to cause the disease. Based on the score and internal cut-off values, a variant classified as benign is not then subjected to further curation. The score for this variant resulted in a classification of benign for this disease.

Breakthrough Genomics
Classification: Benign. Review status: criteria provided, single submitter. Criteria: ACMG Guidelines, 2015. Collection method: not provided. Allele origin: germline. Inheritance: Autosomal dominant inheritance. Affected: yes.

NM_032387.5(WNK4):c.2474C>T (p.Pro825Leu)

Gene: WNK4 (WNK lysine deficient protein kinase 4; plus strand). Cytogenetic location: 17q21.2.
Variant type: single nucleotide variant.
Coding change: c.2474C>T on transcript NM_032387.5 (MANE Select); coding-DNA position 2474, C replaced by T.
Protein change: p.Pro825Leu; replaces proline 825 with leucine.
Molecular consequence: missense variant.
Genome position (GRCh38, 1-based): chr17:42,794,895, C>T. VCF-style: chr17-42794895-C-T. GRCh37 (hg19) VCF-style: chr17-40946913-C-T.
Other names: p.Pro825Leu; c.1466C>T, p.Pro489Leu (NM_001321299.2); short protein forms P825L, P489L.
Identifiers: ClinVar variation 323340 (VCV000323340.18), dbSNP rs56226218, ClinGen allele CA8584388.